The following is an entry in ClinVar:

NM_024753.5(TTC21B):c.187A>G (p.Ile63Val)

Gene: TTC21B (tetratricopeptide repeat domain 21B; minus strand). Cytogenetic location: 2q24.3.
Variant type: single nucleotide variant.
Coding change: c.187A>G on transcript NM_024753.5 (MANE Select); coding-DNA position 187, A replaced by G.
Protein change: p.Ile63Val; replaces isoleucine 63 with valine.
Molecular consequence: missense variant.
Genome position (GRCh38, 1-based): chr2:165,949,469, T>C on the plus strand (A>G on the coding strand, the complement: TTC21B is on the minus strand). VCF-style: chr2-165949469-T-C. GRCh37 (hg19) VCF-style: chr2-166805979-T-C.
Other names: short protein forms I63V.
Identifiers: ClinVar variation 1714132 (VCV001714132.5), dbSNP rs2468254481, ClinGen allele CA349055833.

ClinVar aggregate classification (germline): Uncertain significance (1 of 4 stars; one submission).

Conditions:
Jeune thoracic dystrophy. Also called: Short-rib thoracic dysplasia; Jeune syndrome; Infantile thoracic dystrophy; Thoracic pelvic phalangeal dystrophy; Jeune's syndrome; Chondroectodermal dysplasia-like syndrome. Identifiers: Orphanet 474, MedGen C0265275, MONDO:0018770.
Nephronophthisis. Also called: Juvenile Nephronophthisis. Identifiers: Orphanet 655, MedGen C0687120, MONDO:0019005, HP:0000090.

Submission:

Labcorp Genetics (formerly Invitae), Labcorp
Classification: Uncertain significance for Jeune thoracic dystrophy; Nephronophthisis. Last evaluated: 2022-10-05. Review status: criteria provided, single submitter. Criteria: Invitae Variant Classification Sherloc (09022015). Collection method: clinical testing. Allele origin: germline.
Comment: In summary, the available evidence is currently insufficient to determine the role of this variant in disease. Therefore, it has been classified as a Variant of Uncertain Significance. Advanced modeling of protein sequence and biophysical properties (such as structural, functional, and spatial information, amino acid conservation, physicochemical variation, residue mobility, and thermodynamic stability) performed at Invitae indicates that this missense variant is not expected to disrupt TTC21B protein function. This variant has not been reported in the literature in individuals affected with TTC21B-related conditions. This variant is not present in population databases (gnomAD no frequency). This sequence change replaces isoleucine, which is neutral and non-polar, with valine, which is neutral and non-polar, at codon 63 of the TTC21B protein (p.Ile63Val).